The following is an entry in ClinVar:

NM_001673.5(ASNS):c.1394G>A (p.Arg465Gln)

Genes: ASNS (asparagine synthetase (glutamine-hydrolyzing); minus strand), CZ1P-ASNS (CZ1P-ASNS readthrough; minus strand). Cytogenetic location: 7q21.3.
Variant type: single nucleotide variant.
Coding change: c.1394G>A on transcript NM_001673.5 (MANE Select); coding-DNA position 1394, G replaced by A.
Protein change: p.Arg465Gln; replaces arginine 465 with glutamine.
Molecular consequence: missense variant. On other transcripts: non-coding transcript variant (1).
Genome position (GRCh38, 1-based): chr7:97,853,142, C>T on the plus strand (G>A on the coding strand, the complement: ASNS is on the minus strand). VCF-style: chr7-97853142-C-T. GRCh37 (hg19) VCF-style: chr7-97482454-C-T.
Other names: c.1331G>A, p.Arg444Gln (NM_001178075.2); c.1145G>A, p.Arg382Gln (NM_001178076.2, NM_001178077.1); c.1394G>A, p.Arg465Gln (NM_001352496.2, NM_133436.3, NM_183356.4); short protein forms R382Q, R465Q, R444Q.
Identifiers: ClinVar variation 1397172 (VCV001397172.6), dbSNP rs758889608, ClinGen allele CA4354507.

ClinVar aggregate classification (germline): Uncertain significance (1 of 4 stars; one submission).

Allele frequency attached by ClinVar (database versions not stated): gnomAD exomes below 0.00001; ExAC 0.00001.
gnomAD v4.1: 10 of 1,611,366 alleles (0.00062%); highest among the groups gnomAD compares: Non-Finnish European, 0.00076%; no homozygotes.

Submission:

Labcorp Genetics (formerly Invitae), Labcorp
Classification: Uncertain significance. Last evaluated: 2022-07-05. Review status: criteria provided, single submitter. Criteria: Invitae Variant Classification Sherloc (09022015). Collection method: clinical testing. Allele origin: germline.
Comment: This sequence change replaces arginine, which is basic and polar, with glutamine, which is neutral and polar, at codon 465 of the ASNS protein (p.Arg465Gln). The frequency data for this variant in the population databases is considered unreliable, as metrics indicate poor data quality at this position in the gnomAD database. This variant has not been reported in the literature in individuals affected with ASNS-related conditions. ClinVar contains an entry for this variant (Variation ID: 1397172). Advanced modeling of protein sequence and biophysical properties (such as structural, functional, and spatial information, amino acid conservation, physicochemical variation, residue mobility, and thermodynamic stability) performed at Invitae indicates that this missense variant is expected to disrupt ASNS protein function. In summary, the available evidence is currently insufficient to determine the role of this variant in disease. Therefore, it has been classified as a Variant of Uncertain Significance.